The following is an entry in ClinVar:

ClinVar aggregate classification (germline): Conflicting classifications of pathogenicity. Review status: criteria provided, conflicting classifications (1 of 4 stars). 3 submissions from 3 submitters: Likely pathogenic (1); Uncertain significance (2). Last evaluated 2023-07-31.

Conditions:
Age related macular degeneration 2. Also called: MACULOPATHY, AGE-RELATED; MACULAR DEGENERATION, SENILE; MACULOPATHY, AGE-RELATED, 2. Identifiers: MedGen C3495438, MONDO:0007932, OMIM 153800.
Cone-rod dystrophy 3 (CORD3). Identifiers: Orphanet 1872, MedGen C1858806, MONDO:0011395, OMIM 604116.
Severe early-childhood-onset retinal dystrophy (STGD1). Also called: Stargardt macular dystrophy; Juvenile onset macular degeneration; Stargardt disease 1; MACULAR DYSTROPHY WITH FLECKS, TYPE 1; STGD. Identifiers: Orphanet 364055, Orphanet 827, MedGen C1855465, MeSH D000080362, MONDO:0009549, OMIM 248200.
Retinitis pigmentosa 19 (RP19). Also called: ABCA4-Related Retinitis Pigmentosa. Identifiers: Orphanet 791, MedGen C1866422, MONDO:0011137, OMIM 601718.

Submissions (3):

Labcorp Genetics (formerly Invitae), Labcorp
Classification: Likely pathogenic. Last evaluated: 2023-07-31. Review status: criteria provided, single submitter. Criteria: Invitae Variant Classification Sherloc (09022015). Collection method: clinical testing. Allele origin: germline.
Comment: This variant is not present in population databases (gnomAD no frequency). This sequence change replaces serine, which is neutral and polar, with proline, which is neutral and non-polar, at codon 2127 of the ABCA4 protein (p.Ser2127Pro). This variant disrupts the p.Ser2127 amino acid residue in ABCA4. Other variant(s) that disrupt this residue have been determined to be pathogenic (PMID: 32619608, 32783370). This suggests that this residue is clinically significant, and that variants that disrupt this residue are likely to be disease-causing. Advanced modeling of protein sequence and biophysical properties (such as structural, functional, and spatial information, amino acid conservation, physicochemical variation, residue mobility, and thermodynamic stability) performed at Invitae indicates that this missense variant is expected to disrupt ABCA4 protein function. ClinVar contains an entry for this variant (Variation ID: 1312247). This missense change has been observed in individual(s) with clinical features of Stargardt disease (Invitae). In summary, the currently available evidence indicates that the variant is pathogenic, but additional data are needed to prove that conclusively. Therefore, this variant has been classified as Likely Pathogenic.

Fulgent Genetics
Classification: Uncertain significance for Age related macular degeneration 2; Severe early-childhood-onset retinal dystrophy; Retinitis pigmentosa 19; Cone-rod dystrophy 3. Last evaluated: 2021-10-11. Review status: criteria provided, single submitter. Criteria: ACMG Guidelines, 2015. Collection method: clinical testing. Allele origin: unknown.

GeneDx
Classification: Uncertain significance. Last evaluated: 2020-01-28. Review status: criteria provided, single submitter. Criteria: GeneDx Variant Classification Process June 2021. Collection method: clinical testing. Allele origin: germline. Affected: yes.
Comment: Not observed at a significant frequency in large population cohorts (Lek et al., 2016); In silico analysis supports that this missense variant has a deleterious effect on protein structure/function; In-silico analysis is inconclusive as to whether the variant alters gene splicing. In the absence of RNA/functional studies, the actual effect of this sequence change is unknown; Has not been previously published as pathogenic or benign to our knowledge

Literature cited by the submitters: PubMed 32619608 (cited by Labcorp Genetics (formerly Invitae), Labcorp); PubMed 32783370 (cited by Labcorp Genetics (formerly Invitae), Labcorp).

NM_000350.3(ABCA4):c.6379T>C (p.Ser2127Pro)

Gene: ABCA4 (ATP binding cassette subfamily A member 4; minus strand). Cytogenetic location: 1p22.1.
Variant type: single nucleotide variant.
Coding change: c.6379T>C on transcript NM_000350.3 (MANE Select); coding-DNA position 6379, T replaced by C.
Protein change: p.Ser2127Pro; replaces serine 2127 with proline.
Molecular consequence: missense variant.
Genome position (GRCh38, 1-based): chr1:94,001,009, A>G on the plus strand (T>C on the coding strand, the complement: ABCA4 is on the minus strand). VCF-style: chr1-94001009-A-G. GRCh37 (hg19) VCF-style: chr1-94466565-A-G.
Other names: c.6157T>C, p.Ser2053Pro (NM_001425324.1); short protein forms S2127P, S2053P.
Identifiers: ClinVar variation 1312247 (VCV001312247.6), dbSNP rs2100993895, ClinGen allele CA341277442.